The following is an entry in ClinVar:

ClinVar aggregate classification (germline): Likely pathogenic (1 of 4 stars; one submission).

Conditions:
Alagille syndrome due to a JAG1 point mutation. Also called: Alagille Syndrome 1; JAG1-Related Alagille Syndrome; HEPATIC DUCTULAR HYPOPLASIA, SYNDROMATIC. Identifiers: Orphanet 261619, Orphanet 52, MedGen C1956125, MONDO:0016862, OMIM 118450.

Submission:

Ocular Genomics Institute, Massachusetts Eye and Ear
Classification: Likely pathogenic for Alagille syndrome due to a JAG1 point mutation. Last evaluated: 2021-04-08. Review status: criteria provided, single submitter. Criteria: ACMG Guidelines, 2015. Collection method: research. Allele origin: germline. Affected: yes.
Comment: Through a review of available evidence we were able to apply the following criteria: PVS1, PM2. Based on this evidence we have classified this variant as Likely Pathogenic.

NM_000214.3(JAG1):c.2628_2635del (p.Trp876_Asp879delinsTer)

Gene: JAG1 (jagged canonical Notch ligand 1; minus strand). Cytogenetic location: 20p12.2.
Variant type: Deletion.
Coding change: c.2628_2635del on transcript NM_000214.3 (MANE Select); coding-DNA positions 2628 to 2635, 8 bases deleted (GGATGATG; older notation c.2628_2635delGGATGATG).
Protein change: p.Trp876_Asp879delinsTer.
Molecular consequence: nonsense.
Genome position (GRCh38, 1-based): chr20:10,641,830-10,641,837, CATCATCC deleted on the plus strand (GGATGATG on the coding strand, the reverse complement: JAG1 is on the minus strand); deleting any 8 consecutive bases within chr20:10,641,830-10,641,840 gives the same sequence; the c. name uses the placement nearest the transcript's 3' end. VCF-style (leftmost placement, unchanged base first): chr20-10641829-TCATCATCC-T. GRCh37 (hg19) VCF-style: chr20-10622477-TCATCATCC-T.
Identifiers: ClinVar variation 1065663 (VCV001065663.1), dbSNP rs2122597276, ClinGen allele CA2499225662.
Genomic context (GRCh38, chr20:10,641,829, plus strand): 5'-CCATCATGTCCTACCTTTGAGCAGGCGATCCGTCCATTCAGGCACTGGCAGGTATTACAG[TCATCATCC>T]CATTTGGCCCCATCTGGTATCACACTCCCCATGGTGATGCAAGGTCTCCCTGAAACTGAC-3'